The following is an entry in ClinVar:

NM_020778.5(ALPK3):c.59G>A (p.Gly20Glu)

Gene: ALPK3 (alpha kinase 3; plus strand). Cytogenetic location: 15q25.3.
Variant type: single nucleotide variant.
Coding change: c.59G>A on transcript NM_020778.5 (MANE Select); coding-DNA position 59, G replaced by A.
Protein change: p.Gly20Glu; replaces glycine 20 with glutamic acid.
Molecular consequence: missense variant.
Genome position (GRCh38, 1-based): chr15:84,817,511, G>A. VCF-style: chr15-84817511-G-A. GRCh37 (hg19) VCF-style: chr15-85360742-G-A.
Other names: c.665G>A (NM_020778.4); short protein forms G20E.
Identifiers: ClinVar variation 1491507 (VCV001491507.8), dbSNP rs1403282196, ClinGen allele CA393369375.

ClinVar aggregate classification (germline): Uncertain significance. Review status: criteria provided, multiple submitters, no conflicts (2 of 4 stars). 2 submissions from 2 submitters: Uncertain significance (2). Last evaluated 2023-09-01.

Conditions:
Cardiovascular phenotype. Identifiers: MedGen CN230736.

Allele frequency attached by ClinVar (database versions not stated): gnomAD 0.00001.

Submissions (2):

Ambry Genetics
Classification: Uncertain significance for Cardiovascular phenotype. Last evaluated: 2023-09-01. Review status: criteria provided, single submitter. Criteria: Ambry Variant Classification Scheme 2023. Collection method: clinical testing. Allele origin: germline.
Comment: The p.G222E variant (also known as c.665G>A), located in coding exon 1 of the ALPK3 gene, results from a G to A substitution at nucleotide position 665. The glycine at codon 222 is replaced by glutamic acid, an amino acid with similar properties. This amino acid position is conserved. In addition, this alteration is predicted to be tolerated by in silico analysis. Since supporting evidence is limited at this time, the clinical significance of this alteration remains unclear.

Labcorp Genetics (formerly Invitae), Labcorp
Classification: Uncertain significance. Last evaluated: 2022-06-13. Review status: criteria provided, single submitter. Criteria: Invitae Variant Classification Sherloc (09022015). Collection method: clinical testing. Allele origin: germline.
Comment: In summary, the available evidence is currently insufficient to determine the role of this variant in disease. Therefore, it has been classified as a Variant of Uncertain Significance. Algorithms developed to predict the effect of missense changes on protein structure and function are either unavailable or do not agree on the potential impact of this missense change (SIFT: "Deleterious"; PolyPhen-2: "Probably Damaging"; Align-GVGD: "Class C0"). This variant has not been reported in the literature in individuals affected with ALPK3-related conditions. This variant is not present in population databases (gnomAD no frequency). This sequence change replaces glycine, which is neutral and non-polar, with glutamic acid, which is acidic and polar, at codon 222 of the ALPK3 protein (p.Gly222Glu).